The following is an entry in ClinVar:

NM_000051.4(ATM):c.5288_5289insGA (p.Tyr1763Ter)

Gene: ATM (ATM serine/threonine kinase; plus strand). Cytogenetic location: 11q22.3.
Variant type: Insertion.
Coding change: c.5288_5289insGA on transcript NM_000051.4 (MANE Select); coding-DNA positions 5288 to 5289, GA inserted.
Protein change: p.Tyr1763Ter; replaces tyrosine 1763 with a stop codon.
Molecular consequence: nonsense.
Genome position: GRCh38 VCF-style: chr11-108301757-T-TAG. GRCh37 (hg19) VCF-style: chr11-108172484-T-TAG.
Other names: c.5288_5289insGA, p.Tyr1763Ter (NM_001351834.2); short protein forms Y1763*.
Identifiers: ClinVar variation 552644 (VCV000552644.13), dbSNP rs1555105786, ClinGen allele CA658822133.

ClinVar aggregate classification (germline): Pathogenic. Review status: criteria provided, multiple submitters, no conflicts (2 of 4 stars). 5 submissions from 5 submitters: Pathogenic (4). 1 of the submissions does not count toward it. Last evaluated 2024-01-25.

Conditions:
Hereditary cancer-predisposing syndrome. Also called: Hereditary Cancer Syndrome; Hereditary neoplastic syndrome; Neoplastic Syndromes, Hereditary; Tumor predisposition. Identifiers: Orphanet 140162, MedGen C0027672, MeSH D009386, MONDO:0015356.
Ataxia-telangiectasia syndrome (AT). Also called: Ataxia-telangiectasia, complementation group D; AT, COMPLEMENTATION GROUP C; Ataxia-telangiectasia, complementation group E; LOUIS-BAR SYNDROME; Cerebello-oculocutaneous telangiectasia; Immunodeficiency with ataxia telangiectasia. Identifiers: Orphanet 100, MedGen C0004135, MONDO:0008840, OMIM 208900.
Familial cancer of breast. Also called: hereditary breast carcinoma; BREAST CANCER, FAMILIAL; Hereditary breast cancer. Identifiers: Orphanet 227535, MedGen C0346153, MONDO:0016419, OMIM 114480. Disease mechanism: loss of function.

Submissions (5):

Myriad Genetics, Inc.
Classification: Pathogenic for Familial cancer of breast. Last evaluated: 2024-01-25. Review status: criteria provided, single submitter. Criteria: Myriad Autosomal Dominant, Autosomal Recessive and X-Linked Classification Criteria (2023). Collection method: clinical testing. Allele origin: unknown.
Comment: This variant is considered pathogenic. This variant creates a termination codon and is predicted to result in premature protein truncation.

Baylor Genetics
Classification: Pathogenic for Familial cancer of breast. Last evaluated: 2024-01-18. Review status: criteria provided, single submitter. Criteria: ACMG Guidelines, 2015. Collection method: clinical testing. Allele origin: unknown.

Labcorp Genetics (formerly Invitae), Labcorp
Classification: Pathogenic for Ataxia-telangiectasia syndrome. Last evaluated: 2021-01-13. Review status: criteria provided, single submitter. Criteria: Invitae Variant Classification Sherloc (09022015). Collection method: clinical testing. Allele origin: germline.
Comment: This variant is not present in population databases (ExAC no frequency). This sequence change creates a premature translational stop signal (p.Tyr1763*) in the ATM gene. It is expected to result in an absent or disrupted protein product. Loss-of-function variants in ATM are known to be pathogenic (PMID: 23807571, 25614872). This variant has not been reported in the literature in individuals with ATM-related conditions. ClinVar contains an entry for this variant (Variation ID: 552644). Algorithms developed to predict the effect of sequence changes on RNA splicing suggest that this variant may create or strengthen a splice site, but this prediction has not been confirmed by published transcriptional studies. For these reasons, this variant has been classified as Pathogenic.

Ambry Genetics
Classification: Pathogenic for Hereditary cancer-predisposing syndrome. Last evaluated: 2020-09-08. Review status: criteria provided, single submitter. Criteria: Ambry Variant Classification Scheme 2023. Collection method: clinical testing. Allele origin: germline.
Comment: The c.5288_5289insGA pathogenic mutation, located in coding exon 34 of the ATM gene, results from an insertion of two nucleotides at position 5288, causing a translational frameshift with a predicted alternate stop codon (p.Y1763*). This alteration is expected to result in loss of function by premature protein truncation or nonsense-mediated mRNA decay. As such, this alteration is interpreted as a disease-causing mutation.

Counsyl
Classification: Likely pathogenic for Ataxia-telangiectasia syndrome. Last evaluated: 2017-06-26. Review status: no assertion criteria provided. Collection method: clinical testing. Allele origin: unknown. Not counted in ClinVar's aggregate classification.

Literature cited by the submitters: PubMed 23807571 (cited by Labcorp Genetics (formerly Invitae), Labcorp); PubMed 25614872 (cited by Labcorp Genetics (formerly Invitae), Labcorp).